The following is an entry in ClinVar:

NM_021813.4(BACH2):c.716C>T (p.Thr239Ile)

Gene: BACH2 (BACH transcriptional regulator 2; minus strand). Cytogenetic location: 6q15.
Variant type: single nucleotide variant.
Coding change: c.716C>T on transcript NM_021813.4 (MANE Select); coding-DNA position 716, C replaced by T.
Protein change: p.Thr239Ile; replaces threonine 239 with isoleucine.
Molecular consequence: missense variant.
Genome position (GRCh38, 1-based): chr6:89,951,390, G>A on the plus strand (C>T on the coding strand, the complement: BACH2 is on the minus strand). VCF-style: chr6-89951390-G-A. GRCh37 (hg19) VCF-style: chr6-90661109-G-A.
Other names: c.716C>T, p.Thr239Ile (NM_001170794.2); short protein forms T239I.
Identifiers: ClinVar variation 1348867 (VCV001348867.6), dbSNP rs1774102108, ClinGen allele CA365072384.

ClinVar aggregate classification (germline): Uncertain significance (1 of 4 stars; one submission).

Submission:

Labcorp Genetics (formerly Invitae), Labcorp
Classification: Uncertain significance. Last evaluated: 2025-07-16. Review status: criteria provided, single submitter. Criteria: Invitae Variant Classification Sherloc (09022015). Collection method: clinical testing. Allele origin: germline.
Comment: This sequence change replaces threonine, which is neutral and polar, with isoleucine, which is neutral and non-polar, at codon 239 of the BACH2 protein (p.Thr239Ile). This variant is not present in population databases (gnomAD no frequency). This variant has not been reported in the literature in individuals affected with BACH2-related conditions. ClinVar contains an entry for this variant (Variation ID: 1348867). Invitae Evidence Modeling of protein sequence and biophysical properties (such as structural, functional, and spatial information, amino acid conservation, physicochemical variation, residue mobility, and thermodynamic stability) indicates that this missense variant is not expected to disrupt BACH2 protein function with a negative predictive value of 80%. In summary, the available evidence is currently insufficient to determine the role of this variant in disease. Therefore, it has been classified as a Variant of Uncertain Significance.